The following is an entry in ClinVar:

NM_004984.4(KIF5A):c.2461G>A (p.Gly821Arg)

Gene: KIF5A (kinesin family member 5A; plus strand). Cytogenetic location: 12q13.3.
Variant type: single nucleotide variant.
Coding change: c.2461G>A on transcript NM_004984.4 (MANE Select); coding-DNA position 2461, G replaced by A.
Protein change: p.Gly821Arg; replaces glycine 821 with arginine.
Molecular consequence: missense variant.
Genome position (GRCh38, 1-based): chr12:57,578,265, G>A. VCF-style: chr12-57578265-G-A. GRCh37 (hg19) VCF-style: chr12-57972048-G-A.
Other names: c.2194G>A, p.Gly732Arg (NM_001354705.2); short protein forms G732R, G821R.
Identifiers: ClinVar variation 4797963 (VCV004797963.1).

ClinVar aggregate classification (germline): Uncertain significance (1 of 4 stars; one submission).

Conditions:
Spastic paraplegia. Identifiers: MedGen C0037772, HP:0001258.

gnomAD v4.1: 2 of 1,613,602 alleles (0.00012%); highest among the groups gnomAD compares: African/African-American, 0.0027%; no homozygotes.

Submission:

Labcorp Genetics (formerly Invitae), Labcorp
Classification: Uncertain significance for Spastic paraplegia. Last evaluated: 2025-03-29. Review status: criteria provided, single submitter. Criteria: Invitae Variant Classification Sherloc (09022015). Collection method: clinical testing. Allele origin: germline.
Comment: This sequence change replaces glycine, which is neutral and non-polar, with arginine, which is basic and polar, at codon 821 of the KIF5A protein (p.Gly821Arg). This variant is not present in population databases (gnomAD no frequency). This variant has not been reported in the literature in individuals affected with KIF5A-related conditions. Invitae Evidence Modeling of protein sequence and biophysical properties (such as structural, functional, and spatial information, amino acid conservation, physicochemical variation, residue mobility, and thermodynamic stability) has been performed for this missense variant. However, the output from this modeling did not meet the statistical confidence thresholds required to predict the impact of this variant on KIF5A protein function. In summary, the available evidence is currently insufficient to determine the role of this variant in disease. Therefore, it has been classified as a Variant of Uncertain Significance.